The following is an entry in ClinVar:

ClinVar aggregate classification (germline): Uncertain significance (1 of 4 stars; one submission).

Conditions:
Parkinsonism-dystonia, infantile. Identifiers: Orphanet 238455, MedGen C2751067, MONDO:0013150.

Allele frequency attached by ClinVar (database versions not stated): gnomAD 0.00001; TOPMed 0.00001; gnomAD exomes 0.00002.
gnomAD v4.1: 33 of 1,614,120 alleles (0.002%); highest among the groups gnomAD compares: East Asian, 0.016%; 1 homozygote.

Submission:

Labcorp Genetics (formerly Invitae), Labcorp
Classification: Uncertain significance for Parkinsonism-dystonia, infantile. Last evaluated: 2022-01-26. Review status: criteria provided, single submitter. Criteria: Invitae Variant Classification Sherloc (09022015). Collection method: clinical testing. Allele origin: germline.
Comment: In summary, the available evidence is currently insufficient to determine the role of this variant in disease. Therefore, it has been classified as a Variant of Uncertain Significance. Algorithms developed to predict the effect of missense changes on protein structure and function are either unavailable or do not agree on the potential impact of this missense change (SIFT: "Tolerated"; PolyPhen-2: "Probably Damaging"; Align-GVGD: "Class C0"). This variant has not been reported in the literature in individuals affected with SLC6A3-related conditions. This variant is not present in population databases (gnomAD no frequency). This sequence change replaces valine, which is neutral and non-polar, with isoleucine, which is neutral and non-polar, at codon 83 of the SLC6A3 protein (p.Val83Ile).

NM_001044.5(SLC6A3):c.247G>A (p.Val83Ile)

Gene: SLC6A3 (solute carrier family 6 member 3). Cytogenetic location: 5p15.33.
Variant type: single nucleotide variant.
Coding change: c.247G>A on transcript NM_001044.5 (MANE Select); coding-DNA position 247, G replaced by A.
Protein change: p.Val83Ile; replaces valine 83 with isoleucine.
Molecular consequence: missense variant.
Genome position (GRCh38, 1-based): chr5:1,442,951, C>T on the plus strand (G>A on the coding strand, the complement: SLC6A3 is on the minus strand). VCF-style: chr5-1442951-C-T. GRCh37 (hg19) VCF-style: chr5-1443066-C-T.
Other names: short protein forms V83I.
Identifiers: ClinVar variation 2058383 (VCV002058383.4), dbSNP rs780550591, ClinGen allele CA112969822.